The following is an entry in ClinVar:

NM_000410.4(HFE):c.295A>G (p.Thr99Ala)

Gene: HFE (homeostatic iron regulator; plus strand). Cytogenetic location: 6p22.2.
Variant type: single nucleotide variant.
Coding change: c.295A>G on transcript NM_000410.4 (MANE Select); coding-DNA position 295, A replaced by G.
Protein change: p.Thr99Ala; replaces threonine 99 with alanine.
Molecular consequence: missense variant. On other transcripts: intron variant (5).
Genome position (GRCh38, 1-based): chr6:26,091,059, A>G. VCF-style: chr6-26091059-A-G. GRCh37 (hg19) VCF-style: chr6-26091287-A-G.
Other names: c.295A>G, p.Thr99Ala (NM_001300749.3, NM_001384164.1, NM_001406751.1 and 3 more transcripts); c.226A>G, p.Thr76Ala (NM_139009.3); c.77-255A>G (NM_139007.3, NM_001406752.1, NM_139008.3); c.77-1626A>G (NM_139010.3); c.77-2060A>G (NM_139011.3); short protein forms T99A, T76A.
Identifiers: ClinVar variation 3667441 (VCV003667441.2).

ClinVar aggregate classification (germline): Uncertain significance (1 of 4 stars; one submission).

Conditions:
Hereditary hemochromatosis (HFE). Identifiers: MedGen C0392514, MONDO:0006507. Disease mechanism: loss of function.

gnomAD v4.1: 4 of 1,614,192 alleles (0.00025%); highest among the groups gnomAD compares: Non-Finnish European, 0.00034%; no homozygotes.

Submission:

Labcorp Genetics (formerly Invitae), Labcorp
Classification: Uncertain significance for Hereditary hemochromatosis. Last evaluated: 2024-11-30. Review status: criteria provided, single submitter. Criteria: Invitae Variant Classification Sherloc (09022015). Collection method: clinical testing. Allele origin: germline.
Comment: This sequence change replaces threonine, which is neutral and polar, with alanine, which is neutral and non-polar, at codon 99 of the HFE protein (p.Thr99Ala). This variant is not present in population databases (gnomAD no frequency). This variant has not been reported in the literature in individuals affected with HFE-related conditions. Invitae Evidence Modeling of protein sequence and biophysical properties (such as structural, functional, and spatial information, amino acid conservation, physicochemical variation, residue mobility, and thermodynamic stability) indicates that this missense variant is not expected to disrupt HFE protein function with a negative predictive value of 80%. In summary, the available evidence is currently insufficient to determine the role of this variant in disease. Therefore, it has been classified as a Variant of Uncertain Significance.